The following is an entry in ClinVar:

ClinVar aggregate classification (germline): Benign/Likely benign. Review status: criteria provided, multiple submitters, no conflicts (2 of 4 stars). 6 submissions from 6 submitters: Benign (1); Likely benign (5). Last evaluated 2025-04-07.

Conditions:
Tuberous sclerosis syndrome (TSC). Also called: Tuberous sclerosis; Tuberous Sclerosis Complex. Identifiers: Orphanet 805, MedGen C0041341, MONDO:0001734.
Hereditary cancer-predisposing syndrome. Also called: Tumor predisposition; Hereditary Cancer Syndrome; Neoplastic Syndromes, Hereditary; Hereditary neoplastic syndrome. Identifiers: Orphanet 140162, MedGen C0027672, MeSH D009386, MONDO:0015356.
Tuberous sclerosis 1 (TSC1). Identifiers: Orphanet 805, MedGen C1854465, MONDO:0008612, OMIM 191100.

Allele frequency attached by ClinVar (database versions not stated): gnomAD exomes below 0.00001; TOPMed 0.00001.
gnomAD v4.1: 2 of 1,614,178 alleles (0.00012%); highest among the groups gnomAD compares: African/African-American, 0.0013%; no homozygotes.

Submissions (6):

Myriad Genetics, Inc.
Classification: Benign for Tuberous sclerosis 1. Last evaluated: 2025-04-07. Review status: criteria provided, single submitter. Criteria: Myriad Autosomal Dominant, Autosomal Recessive and X-Linked Classification Criteria (2023). Collection method: clinical testing. Allele origin: unknown.
Comment: This variant is considered benign. This variant is a silent/synonymous amino acid change and it is not expected to impact splicing.

Labcorp Genetics (formerly Invitae), Labcorp
Classification: Likely benign for Tuberous sclerosis 1. Last evaluated: 2025-01-14. Review status: criteria provided, single submitter. Criteria: Invitae Variant Classification Sherloc (09022015). Collection method: clinical testing. Allele origin: germline.

All of Us Research Program, National Institutes of Health
Classification: Likely benign for Tuberous sclerosis syndrome. Last evaluated: 2023-04-03. Review status: criteria provided, single submitter. Criteria: ACMG Guidelines, 2015. Collection method: clinical testing. Allele origin: germline. Inheritance: Autosomal dominant inheritance. Observed: 1 variant allele, 1 heterozygote.
Comment: This study involves interpretation of variants in research participants for the purpose of population health screening. Participant phenotype was not available at the time of variant classification. Additional details can be found in publication PMID: 35346344, PMCID: PMC8962531

Color Diagnostics, LLC DBA Color Health
Classification: Likely benign for Tuberous sclerosis syndrome. Last evaluated: 2022-05-13. Review status: criteria provided, single submitter. Criteria: ACMG Guidelines, 2015. Collection method: clinical testing. Allele origin: germline.

Genome-Nilou Lab
Classification: Likely benign for Tuberous sclerosis 1. Last evaluated: 2021-11-07. Review status: criteria provided, single submitter. Criteria: ACMG Guidelines, 2015. Collection method: clinical testing. Allele origin: germline. Affected: no.

Ambry Genetics
Classification: Likely benign for Hereditary cancer-predisposing syndrome. Last evaluated: 2019-09-19. Review status: criteria provided, single submitter. Criteria: Ambry Variant Classification Scheme 2023. Collection method: clinical testing. Allele origin: germline.

NM_000368.5(TSC1):c.12A>G (p.Gln4=)

Gene: TSC1 (TSC complex subunit 1; minus strand). Cytogenetic location: 9q34.13.
Variant type: single nucleotide variant.
Coding change: c.12A>G on transcript NM_000368.5 (MANE Select); coding-DNA position 12, A replaced by G.
Protein change: p.Gln4=; no amino-acid change (glutamine 4 retained).
Molecular consequence: synonymous variant. On other transcripts: 5 prime UTR variant (1).
Genome position (GRCh38, 1-based): chr9:132,928,861, T>C on the plus strand (A>G on the coding strand, the complement: TSC1 is on the minus strand). VCF-style: chr9-132928861-T-C. GRCh37 (hg19) VCF-style: chr9-135804248-T-C.
Other names: c.12A>G, p.Gln4= (NM_001162426.2, NM_001162427.2); c.-248A>G (NM_001362177.2).
Identifiers: ClinVar variation 754557 (VCV000754557.19), dbSNP rs1588363707, ClinGen allele CA467594377.